The following is an entry in ClinVar:

NM_005633.4(SOS1):c.734T>C (p.Ile245Thr)

Gene: SOS1 (SOS Ras/Rac guanine nucleotide exchange factor 1; minus strand). Cytogenetic location: 2p22.1.
Variant type: single nucleotide variant.
Coding change: c.734T>C on transcript NM_005633.4 (MANE Select); coding-DNA position 734, T replaced by C.
Protein change: p.Ile245Thr; replaces isoleucine 245 with threonine.
Molecular consequence: missense variant.
Genome position (GRCh38, 1-based): chr2:39,051,274, A>G on the plus strand (T>C on the coding strand, the complement: SOS1 is on the minus strand). VCF-style: chr2-39051274-A-G. GRCh37 (hg19) VCF-style: chr2-39278415-A-G.
Other names: c.713T>C, p.Ile238Thr (NM_001382394.1); c.734T>C, p.Ile245Thr (NM_001382395.1); short protein forms I238T, I245T.
Identifiers: ClinVar variation 1481499 (VCV001481499.7), dbSNP rs2124597097, ClinGen allele CA346367832.

ClinVar aggregate classification (germline): Uncertain significance. Review status: criteria provided, multiple submitters, no conflicts (2 of 4 stars). 2 submissions from 2 submitters: Uncertain significance (2). Last evaluated 2024-01-08.

Conditions:
RASopathy. Also called: Noonan spectrum disorder; rasopathies. Identifiers: Orphanet 536391, MedGen C5555857, MONDO:0021060.

Allele frequency attached by ClinVar (database versions not stated): gnomAD exomes below 0.00001.
gnomAD v4.1: 1 of 1,611,334 alleles (0.000062%); highest among the groups gnomAD compares: South Asian, 0.0011%; no homozygotes.

Submissions (2):

Blueprint Genetics
Classification: Uncertain significance. Last evaluated: 2024-01-08. Review status: criteria provided, single submitter. Criteria: ACMG Guidelines, 2015. Collection method: clinical testing. Allele origin: germline.

Labcorp Genetics (formerly Invitae), Labcorp
Classification: Uncertain significance for RASopathy. Last evaluated: 2021-08-07. Review status: criteria provided, single submitter. Criteria: Invitae Variant Classification Sherloc (09022015). Collection method: clinical testing. Allele origin: germline.
Comment: In summary, the available evidence is currently insufficient to determine the role of this variant in disease. Therefore, it has been classified as a Variant of Uncertain Significance. Advanced modeling of protein sequence and biophysical properties (such as structural, functional, and spatial information, amino acid conservation, physicochemical variation, residue mobility, and thermodynamic stability) performed at Invitae indicates that this missense variant is expected to disrupt SOS1 protein function. This variant has not been reported in the literature in individuals affected with SOS1-related conditions. This variant is not present in population databases (ExAC no frequency). This sequence change replaces isoleucine with threonine at codon 245 of the SOS1 protein (p.Ile245Thr). The isoleucine residue is moderately conserved and there is a moderate physicochemical difference between isoleucine and threonine.